The following is an entry in ClinVar:

NM_000455.5(STK11):c.140G>A (p.Gly47Asp)

Gene: STK11 (serine/threonine kinase 11; plus strand). Cytogenetic location: 19p13.3.
Variant type: single nucleotide variant.
Coding change: c.140G>A on transcript NM_000455.5 (MANE Select); coding-DNA position 140, G replaced by A.
Protein change: p.Gly47Asp; replaces glycine 47 with aspartic acid.
Molecular consequence: missense variant. On other transcripts: non-coding transcript variant (1).
Genome position (GRCh38, 1-based): chr19:1,207,053, G>A. VCF-style: chr19-1207053-G-A. GRCh37 (hg19) VCF-style: chr19-1207052-G-A.
Other names: c.140G>A, p.Gly47Asp (NM_001407255.1); short protein forms G47D.
Identifiers: ClinVar variation 2819981 (VCV002819981.4), dbSNP rs866690702, ClinGen allele CA304016769.

ClinVar aggregate classification (germline): Uncertain significance. Review status: criteria provided, multiple submitters, no conflicts (2 of 4 stars). 2 submissions from 2 submitters: Uncertain significance (2). Last evaluated 2025-06-12.

Conditions:
Peutz-Jeghers syndrome (PJS). Also called: POLYPOSIS, HAMARTOMATOUS INTESTINAL; POLYPS-AND-SPOTS SYNDROME; Peutz-Jeghers polyposis; Periorificial lentiginosis syndrome. Identifiers: Orphanet 2869, MedGen C0031269, MeSH D010580, MONDO:0008280, OMIM 175200.
Hereditary cancer-predisposing syndrome. Also called: Neoplastic Syndromes, Hereditary; Hereditary Cancer Syndrome; Hereditary neoplastic syndrome; Tumor predisposition. Identifiers: Orphanet 140162, MedGen C0027672, MeSH D009386, MONDO:0015356.

Submissions (2):

Color Diagnostics, LLC DBA Color Health
Classification: Uncertain significance for Hereditary cancer-predisposing syndrome. Last evaluated: 2025-06-12. Review status: criteria provided, single submitter. Criteria: ACMG Guidelines, 2015. Collection method: clinical testing. Allele origin: germline.
Comment: This missense variant replaces glycine with aspartic acid at codon 47 of the STK11 protein. Computational prediction suggests that this variant may have deleterious impact on protein structure and function. To our knowledge, functional studies have not been reported for this variant. This variant has not been reported in individuals affected with STK11-related disorders in the literature. This variant has not been identified in the general population by the Genome Aggregation Database (gnomAD). The available evidence is insufficient to determine the role of this variant in disease conclusively. Therefore, this variant is classified as a Variant of Uncertain Significance.

Labcorp Genetics (formerly Invitae), Labcorp
Classification: Uncertain significance for Peutz-Jeghers syndrome. Last evaluated: 2022-12-10. Review status: criteria provided, single submitter. Criteria: Invitae Variant Classification Sherloc (09022015). Collection method: clinical testing. Allele origin: germline.
Comment: In summary, the available evidence is currently insufficient to determine the role of this variant in disease. Therefore, it has been classified as a Variant of Uncertain Significance. Advanced modeling of protein sequence and biophysical properties (such as structural, functional, and spatial information, amino acid conservation, physicochemical variation, residue mobility, and thermodynamic stability) performed at Invitae indicates that this missense variant is expected to disrupt STK11 protein function. This variant has not been reported in the literature in individuals affected with STK11-related conditions. This variant is not present in population databases (gnomAD no frequency). This sequence change replaces glycine, which is neutral and non-polar, with aspartic acid, which is acidic and polar, at codon 47 of the STK11 protein (p.Gly47Asp).